The following is an entry in ClinVar:

NM_007192.4(SUPT16H):c.1910C>A (p.Ala637Asp)

Gene: SUPT16H (SPT16 homolog, facilitates chromatin remodeling subunit; minus strand). Cytogenetic location: 14q11.2.
Variant type: single nucleotide variant.
Coding change: c.1910C>A on transcript NM_007192.4 (MANE Select); coding-DNA position 1910, C replaced by A.
Protein change: p.Ala637Asp; replaces alanine 637 with aspartic acid.
Molecular consequence: missense variant.
Genome position (GRCh38, 1-based): chr14:21,361,097, G>T on the plus strand (C>A on the coding strand, the complement: SUPT16H is on the minus strand). VCF-style: chr14-21361097-G-T. GRCh37 (hg19) VCF-style: chr14-21829256-G-T.
Other names: short protein forms A637D.
Identifiers: ClinVar variation 3371300 (VCV003371300.1).

ClinVar aggregate classification (germline): Uncertain significance (1 of 4 stars; one submission).

Submission:

GeneDx
Classification: Uncertain significance. Last evaluated: 2024-03-26. Review status: criteria provided, single submitter. Criteria: GeneDx Variant Classification Process June 2021. Collection method: clinical testing. Allele origin: germline. Affected: yes.
Comment: Not observed at significant frequency in large population cohorts (gnomAD); In silico analysis supports that this missense variant has a deleterious effect on protein structure/function; Has not been previously published as pathogenic or benign to our knowledge